The following is an entry in ClinVar:

NM_003073.5(SMARCB1):c.340A>T (p.Thr114Ser)

Gene: SMARCB1 (SWI/SNF related BAF chromatin remodeling complex subunit B1; plus strand). Cytogenetic location: 22q11.23.
Variant type: single nucleotide variant.
Coding change: c.340A>T on transcript NM_003073.5 (MANE Select); coding-DNA position 340, A replaced by T.
Protein change: p.Thr114Ser; replaces threonine 114 with serine.
Molecular consequence: missense variant.
Genome position (GRCh38, 1-based): chr22:23,793,666, A>T. VCF-style: chr22-23793666-A-T. GRCh37 (hg19) VCF-style: chr22-24135853-A-T.
Other names: c.313A>T, p.Thr105Ser (NM_001007468.3, NM_001317946.2); c.340A>T, p.Thr114Ser (NM_001362877.2); short protein forms T105S, T114S.
Identifiers: ClinVar variation 4550242 (VCV004550242.1).

ClinVar aggregate classification (germline): Uncertain significance (1 of 4 stars; one submission).

Conditions:
Hereditary cancer-predisposing syndrome. Also called: Tumor predisposition; Hereditary Cancer Syndrome; Hereditary neoplastic syndrome; Neoplastic Syndromes, Hereditary. Identifiers: Orphanet 140162, MedGen C0027672, MeSH D009386, MONDO:0015356.

Submission:

Ambry Genetics
Classification: Uncertain significance for Hereditary cancer-predisposing syndrome. Last evaluated: 2025-11-15. Review status: criteria provided, single submitter. Criteria: Ambry Variant Classification Scheme 2023. Collection method: clinical testing. Allele origin: germline.
Comment: The p.T114S variant (also known as c.340A>T), located in coding exon 3 of the SMARCB1 gene, results from an A to T substitution at nucleotide position 340. The threonine at codon 114 is replaced by serine, an amino acid with similar properties. This amino acid position is conserved. In addition, the in silico prediction for this alteration is inconclusive. Based on the available evidence, the clinical significance of this variant remains unclear.